The following is an entry in ClinVar:

NM_004370.6(COL12A1):c.8486C>A (p.Pro2829His)

Gene: COL12A1 (collagen type XII alpha 1 chain; minus strand). Cytogenetic location: 6q13.
Variant type: single nucleotide variant.
Coding change: c.8486C>A on transcript NM_004370.6 (MANE Select); coding-DNA position 8486, C replaced by A.
Protein change: p.Pro2829His; replaces proline 2829 with histidine.
Molecular consequence: missense variant.
Genome position (GRCh38, 1-based): chr6:75,101,637, G>T on the plus strand (C>A on the coding strand, the complement: COL12A1 is on the minus strand). VCF-style: chr6-75101637-G-T. GRCh37 (hg19) VCF-style: chr6-75811353-G-T.
Other names: c.4994C>A, p.Pro1665His (NM_080645.3); short protein forms P1665H, P2829H.
Identifiers: ClinVar variation 1923359 (VCV001923359.5), dbSNP rs1408264220, ClinGen allele CA364739004.

ClinVar aggregate classification (germline): Uncertain significance (1 of 4 stars; one submission).

Conditions:
Ullrich congenital muscular dystrophy 2 (UCMD2). Identifiers: Orphanet 75840, MedGen C4225314, MONDO:0014654, OMIM 616470.
Bethlem myopathy 2 (BTHLM2). Identifiers: Orphanet 536516, Orphanet 610, MedGen C4225313, MONDO:0034022, OMIM 616471.

Allele frequency attached by ClinVar (database versions not stated): gnomAD exomes below 0.00001.
gnomAD v4.1: 1 of 1,613,818 alleles (0.000062%); highest among the groups gnomAD compares: Non-Finnish European, 0.000085%; no homozygotes.

Submission:

Labcorp Genetics (formerly Invitae), Labcorp
Classification: Uncertain significance for Bethlem myopathy 2; Ullrich congenital muscular dystrophy 2. Last evaluated: 2026-01-08. Review status: criteria provided, single submitter. Criteria: Invitae Variant Classification Sherloc (09022015). Collection method: clinical testing. Allele origin: germline.
Comment: This sequence change replaces proline, which is neutral and non-polar, with histidine, which is basic and polar, at codon 2829 of the COL12A1 protein (p.Pro2829His). This variant is not present in population databases (gnomAD no frequency). This variant has not been reported in the literature in individuals affected with COL12A1-related conditions. ClinVar contains an entry for this variant (Variation ID: 1923359). An algorithm developed to predict the effect of missense changes on protein structure and function (PolyPhen-2) suggests that this variant is likely to be disruptive. In summary, the available evidence is currently insufficient to determine the role of this variant in disease. Therefore, it has been classified as a Variant of Uncertain Significance.